The following is an entry in ClinVar:

NM_001369369.1(FOXN1):c.124-17A>T

Gene: FOXN1 (forkhead box N1; plus strand). Cytogenetic location: 17q11.2.
Variant type: single nucleotide variant.
Coding change: c.124-17A>T on transcript NM_001369369.1 (MANE Select); 17 bases into the intron before coding-DNA position 124, A replaced by T.
Molecular consequence: intron variant.
Genome position (GRCh38, 1-based): chr17:28,524,486, A>T. VCF-style: chr17-28524486-A-T. GRCh37 (hg19) VCF-style: chr17-26851504-A-T.
Other names: c.124-17A>T (NM_003593.3).
Identifiers: ClinVar variation 1610976 (VCV001610976.9), dbSNP rs376727518, ClinGen allele CA8459151.
Genomic context (GRCh38, chr17:28,524,486, plus strand): 5'-AACAGAGTAGGGTCCCAGCCAGTCCCCAGGCCTGGTTCAGCCTCCACTCACAGGCTCGCT[A>T]CTCTCTGTCTACCCAGAAGCATGCCGGCTTCAGCTGCTCGTCATTTGTGTCCGACGGCCC-3'

ClinVar aggregate classification (germline): Uncertain significance. Review status: reviewed by expert panel (3 of 4 stars). 2 submissions from 2 submitters: Uncertain significance (1). 1 of the submissions does not count toward it. Last evaluated 2024-07-29.

Conditions:
T-cell immunodeficiency, congenital alopecia, and nail dystrophy. Also called: Congenital alopecia and nail dystrophy associated with severe functional T-cell immunodeficiency; Pignata Guarino syndrome. Identifiers: Orphanet 169095, MedGen C1866426, MONDO:0011132, OMIM 601705.

Allele frequency attached by ClinVar (database versions not stated): gnomAD 0.00004; ExAC 0.00005; gnomAD exomes 0.00005; ESP Exome Variant Server 0.00008; TOPMed 0.00008.
gnomAD v4.1: 79 of 1,610,844 alleles (0.0049%); highest among the groups gnomAD compares: Non-Finnish European, 0.0064%; no homozygotes.

Submissions (2):

ClinGen Severe Combined Immunodeficiency Variant Curation Expert Panel, ClinGen
Classification: Uncertain significance for T-cell immunodeficiency, congenital alopecia, and nail dystrophy. Last evaluated: 2024-07-29. Review status: reviewed by expert panel. Criteria: ClinGen SCID ACMG Specifications FOXN1 V1.0.0. Collection method: curation. Allele origin: germline. Inheritance: Semidominant inheritance.
Comment: The NM_001369369.1(FOXN1):c.124-17A>T intron 1 variant occurs at a PopMax filtering AF of 0.00005086 based on 3/15898 alleles in the African/African American population. The SpliceAI delta score for acceptor gain is 0.11. These data are insufficient to apply any criteria resulting in a classification on uncertain significance as specified by the ClinGen SCID VCEP FOXN1 subgroup.

Labcorp Genetics (formerly Invitae), Labcorp
Classification: Likely benign for T-cell immunodeficiency, congenital alopecia, and nail dystrophy. Last evaluated: 2025-12-30. Review status: criteria provided, single submitter. Criteria: Invitae Variant Classification Sherloc (09022015). Collection method: clinical testing. Allele origin: germline. Not counted in ClinVar's aggregate classification.